The following is an entry in ClinVar:

NM_000222.3(KIT):c.2780A>G (p.Gln927Arg)

Gene: KIT (KIT proto-oncogene, receptor tyrosine kinase; plus strand). Cytogenetic location: 4q12.
Variant type: single nucleotide variant.
Coding change: c.2780A>G on transcript NM_000222.3 (MANE Select); coding-DNA position 2780, A replaced by G.
Protein change: p.Gln927Arg; replaces glutamine 927 with arginine.
Molecular consequence: missense variant.
Genome position (GRCh38, 1-based): chr4:54,737,258, A>G. VCF-style: chr4-54737258-A-G. GRCh37 (hg19) VCF-style: chr4-55603424-A-G.
Other names: c.2768A>G, p.Gln923Arg (NM_001093772.2, NM_001385292.1); c.2783A>G, p.Gln928Arg (NM_001385284.1); c.2777A>G, p.Gln926Arg (NM_001385285.1); c.2765A>G, p.Gln922Arg (NM_001385286.1); c.2771A>G, p.Gln924Arg (NM_001385288.1); c.2780A>G, p.Gln927Arg (NM_001385290.1); short protein forms Q927R, Q922R, Q924R, Q926R, Q928R, Q923R.
Identifiers: ClinVar variation 1473162 (VCV001473162.8), dbSNP rs2109814123, ClinGen allele CA356914523.
Genomic context (GRCh38, chr4:54,737,258, plus strand): 5'-GGGATGCAGATCCCCTAAAAAGACCAACATTCAAGCAAATTGTTCAGCTAATTGAGAAGC[A>G]GATTTCAGAGAGCACCAATCATGTGAGTATACCCTGGCCAGGCATAGAATCCCCCTTCTC-3'
Protein context (NP_000213.1, residues 917-937): FKQIVQLIEK[Gln927Arg]ISESTNHIYS

ClinVar aggregate classification (germline): Uncertain significance (1 of 4 stars; one submission).

Conditions:
Gastrointestinal stromal tumor. Also called: Gastrointestinal stroma tumor; Gastrointestinal stromal tumor, somatic. Identifiers: Orphanet 44890, MedGen C0238198, MeSH D046152, MONDO:0011719, OMIM 606764, HP:0100723.

gnomAD v4.1: 1 of 1,612,402 alleles (0.000062%); highest among the groups gnomAD compares: Non-Finnish European, 0.000085%; no homozygotes.

Submission:

Labcorp Genetics (formerly Invitae), Labcorp
Classification: Uncertain significance for Gastrointestinal stromal tumor. Last evaluated: 2021-04-30. Review status: criteria provided, single submitter. Criteria: Invitae Variant Classification Sherloc (09022015). Collection method: clinical testing. Allele origin: germline.
Comment: In summary, the available evidence is currently insufficient to determine the role of this variant in disease. Therefore, it has been classified as a Variant of Uncertain Significance. Algorithms developed to predict the effect of missense changes on protein structure and function are either unavailable or do not agree on the potential impact of this missense change (SIFT: "Deleterious"; PolyPhen-2: "Benign"; Align-GVGD: "Class C35"). This variant has not been reported in the literature in individuals with KIT-related conditions. This variant is not present in population databases (ExAC no frequency). This sequence change replaces glutamine with arginine at codon 927 of the KIT protein (p.Gln927Arg). The glutamine residue is highly conserved and there is a small physicochemical difference between glutamine and arginine.